The following is an entry in ClinVar:

ClinVar aggregate classification (germline): Uncertain significance (1 of 4 stars; one submission).

Submission:

GeneDx
Classification: Uncertain significance. Last evaluated: 2022-06-06. Review status: criteria provided, single submitter. Criteria: GeneDx Variant Classification Process June 2021. Collection method: clinical testing. Allele origin: germline. Affected: yes.
Comment: In silico analysis supports that this missense variant does not alter protein structure/function; Has not been previously published as pathogenic or benign to our knowledge

NM_078480.3(PUF60):c.19G>A (p.Ala7Thr)

Genes: PUF60 (poly(U) binding splicing factor 60; minus strand), LOC126860549 (MED14-independent group 3 enhancer GRCh37_chr8:144911577-144912776; plus strand). Cytogenetic location: 8q24.3.
Variant type: single nucleotide variant.
Coding change: c.19G>A on transcript NM_078480.3 (MANE Select); coding-DNA position 19, G replaced by A.
Protein change: p.Ala7Thr; replaces alanine 7 with threonine.
Molecular consequence: missense variant.
Genome position (GRCh38, 1-based): chr8:143,829,285, C>T on the plus strand (G>A on the coding strand, the complement: PUF60 is on the minus strand). VCF-style: chr8-143829285-C-T. GRCh37 (hg19) VCF-style: chr8-144911455-C-T.
Other names: c.19G>A, p.Ala7Thr (NM_001271096.2, NM_001271097.2, NM_001271098.2 and 2 more transcripts); short protein forms A7T.
Identifiers: ClinVar variation 1803493 (VCV001803493.1), dbSNP rs782322841, ClinGen allele CA372451853.